The following is an entry in ClinVar:

NM_001379200.1(TBX1):c.169C>T (p.Pro57Ser)

Gene: TBX1 (T-box transcription factor 1; plus strand). Cytogenetic location: 22q11.21.
Variant type: single nucleotide variant.
Coding change: c.169C>T on transcript NM_001379200.1 (MANE Select); coding-DNA position 169, C replaced by T.
Protein change: p.Pro57Ser; replaces proline 57 with serine.
Molecular consequence: missense variant.
Genome position (GRCh38, 1-based): chr22:19,761,012, C>T. VCF-style: chr22-19761012-C-T. GRCh37 (hg19) VCF-style: chr22-19748535-C-T.
Other names: c.142C>T, p.Pro48Ser (NM_005992.1, NM_080646.2, NM_080647.1); short protein forms P48S, P57S.
Identifiers: ClinVar variation 4731595 (VCV004731595.1).

ClinVar aggregate classification (germline): Uncertain significance (1 of 4 stars; one submission).

Conditions:
DiGeorge syndrome. Also called: THIRD AND FOURTH PHARYNGEAL POUCH SYNDROME; Catch22. Identifiers: Orphanet 567, MedGen C0012236, MONDO:0008564, OMIM 188400.

Submission:

Labcorp Genetics (formerly Invitae), Labcorp
Classification: Uncertain significance for DiGeorge syndrome. Last evaluated: 2025-08-17. Review status: criteria provided, single submitter. Criteria: Invitae Variant Classification Sherloc (09022015). Collection method: clinical testing. Allele origin: germline.
Comment: This sequence change replaces proline, which is neutral and non-polar, with serine, which is neutral and polar, at codon 48 of the TBX1 protein (p.Pro48Ser). The frequency data for this variant in the population databases is considered unreliable, as metrics indicate insufficient coverage at this position in the gnomAD database. This variant has not been reported in the literature in individuals affected with TBX1-related conditions. Invitae Evidence Modeling of protein sequence and biophysical properties (such as structural, functional, and spatial information, amino acid conservation, physicochemical variation, residue mobility, and thermodynamic stability) indicates that this missense variant is not expected to disrupt TBX1 protein function with a negative predictive value of 80%. In summary, the available evidence is currently insufficient to determine the role of this variant in disease. Therefore, it has been classified as a Variant of Uncertain Significance.